The following is an entry in ClinVar:

NM_015272.5(RPGRIP1L):c.1867G>C (p.Ala623Pro)

Gene: RPGRIP1L (RPGRIP1 like; minus strand). Cytogenetic location: 16q12.2.
Variant type: single nucleotide variant.
Coding change: c.1867G>C on transcript NM_015272.5 (MANE Select); coding-DNA position 1867, G replaced by C.
Protein change: p.Ala623Pro; replaces alanine 623 with proline.
Molecular consequence: missense variant.
Genome position (GRCh38, 1-based): chr16:53,652,820, C>G on the plus strand (G>C on the coding strand, the complement: RPGRIP1L is on the minus strand). VCF-style: chr16-53652820-C-G. GRCh37 (hg19) VCF-style: chr16-53686732-C-G.
Other names: c.1867G>C (NM_015272.4); c.1867G>C, p.Ala623Pro (NM_001127897.4, NM_001308334.3, NM_001330538.2); short protein forms A623P.
Identifiers: ClinVar variation 838047 (VCV000838047.8), dbSNP rs776297522, ClinGen allele CA8057683.

ClinVar aggregate classification (germline): Uncertain significance. Review status: criteria provided, multiple submitters, no conflicts (2 of 4 stars). 4 submissions from 4 submitters: Uncertain significance (2). 2 of the submissions do not count toward it. Last evaluated 2024-10-25.

Conditions:
Joubert syndrome. Also called: JOUBERT-BOLTSHAUSER SYNDROME; Familial aplasia of the vermis. Identifiers: Orphanet 475, MedGen C5979921, MONDO:0018772.
Meckel-Gruber syndrome. Also called: DYSENCEPHALIA SPLANCHNOCYSTICA; GRUBER SYNDROME; Dysencephalia splachnocystica. Identifiers: Orphanet 564, MedGen C0265215, MONDO:0018921.
Joubert syndrome 7 (JBTS7). Identifiers: Orphanet 220497, MedGen C1969053, MONDO:0012694, OMIM 611560.
COACH syndrome 3. Identifiers: MedGen C5436841, MONDO:0030862, OMIM 619113.
Meckel syndrome, type 5 (MKS5). Identifiers: Orphanet 564, MedGen C1969052, MONDO:0012695, OMIM 611561.
RPGRIP1L-related disorder. Also called: RPGRIP1L-related disorders; RPGRIP1L-related condition. Identifiers: MedGen CN239416.

Allele frequency attached by ClinVar (database versions not stated): gnomAD 0.00001; TOPMed 0.00004; gnomAD exomes 0.00006; ExAC 0.00007.
gnomAD v4.1: 18 of 1,613,578 alleles (0.0011%); highest among the groups gnomAD compares: Admixed American, 0.03%; no homozygotes.

Submissions (4):

Labcorp Genetics (formerly Invitae), Labcorp
Classification: Uncertain significance for Joubert syndrome; Meckel-Gruber syndrome. Last evaluated: 2024-10-25. Review status: criteria provided, single submitter. Criteria: Invitae Variant Classification Sherloc (09022015). Collection method: clinical testing. Allele origin: germline.
Comment: This sequence change replaces alanine, which is neutral and non-polar, with proline, which is neutral and non-polar, at codon 623 of the RPGRIP1L protein (p.Ala623Pro). This variant is present in population databases (rs776297522, gnomAD 0.05%). This variant has not been reported in the literature in individuals affected with RPGRIP1L-related conditions. ClinVar contains an entry for this variant (Variation ID: 838047). Invitae Evidence Modeling of protein sequence and biophysical properties (such as structural, functional, and spatial information, amino acid conservation, physicochemical variation, residue mobility, and thermodynamic stability) indicates that this missense variant is not expected to disrupt RPGRIP1L protein function with a negative predictive value of 80%. In summary, the available evidence is currently insufficient to determine the role of this variant in disease. Therefore, it has been classified as a Variant of Uncertain Significance.

Fulgent Genetics
Classification: Uncertain significance for Joubert syndrome 7; Meckel syndrome, type 5; COACH syndrome 3. Last evaluated: 2022-01-10. Review status: criteria provided, single submitter. Criteria: ACMG Guidelines, 2015. Collection method: clinical testing. Allele origin: unknown.

PreventionGenetics, part of Exact Sciences
Classification: Uncertain significance for RPGRIP1L-related condition. Last evaluated: 2024-03-18. Review status: no assertion criteria provided. Collection method: clinical testing. Allele origin: germline. Not counted in ClinVar's aggregate classification.
Comment: The RPGRIP1L c.1867G>C variant is predicted to result in the amino acid substitution p.Ala623Pro. To our knowledge, this variant has not been reported in the literature. This variant is reported in 0.048% of alleles in individuals of Latino descent in gnomAD. At this time, the clinical significance of this variant is uncertain due to the absence of conclusive functional and genetic evidence.

Natera, Inc.
Classification: Uncertain significance for Joubert syndrome. Last evaluated: 2020-01-24. Review status: no assertion criteria provided. Collection method: clinical testing. Allele origin: germline. Not counted in ClinVar's aggregate classification.